The following is an entry in ClinVar:

ClinVar aggregate classification (germline): Pathogenic. Review status: criteria provided, multiple submitters, no conflicts (2 of 4 stars). 2 submissions from 2 submitters: Pathogenic (2). Last evaluated 2025-08-08.

Conditions:
Hereditary cancer-predisposing syndrome. Also called: Tumor predisposition; Neoplastic Syndromes, Hereditary; Hereditary neoplastic syndrome; Hereditary Cancer Syndrome. Identifiers: Orphanet 140162, MedGen C0027672, MeSH D009386, MONDO:0015356.
Cardiovascular phenotype. Identifiers: MedGen CN230736.
Neurofibromatosis, type 1 (NF1). Also called: VON RECKLINGHAUSEN DISEASE; Peripheral type neurofibromatosis; NEUROFIBROMATOSIS, TYPE I, SOMATIC; Neurofibromatosis, type I. Identifiers: Orphanet 636, MedGen C0027831, MONDO:0018975, OMIM 162200. Disease mechanism: loss of function.

Submissions (2):

Ambry Genetics
Classification: Pathogenic for Cardiovascular phenotype; Hereditary cancer-predisposing syndrome. Last evaluated: 2025-08-08. Review status: criteria provided, single submitter. Criteria: Ambry Variant Classification Scheme 2023. Collection method: clinical testing. Allele origin: germline.
Comment: The p.G2313D variant (also known as c.6938G>A), located in coding exon 46 of the NF1 gene, results from a G to A substitution at nucleotide position 6938. The glycine at codon 2313 is replaced by aspartic acid, an amino acid with similar properties. This variant was detected in an individual with NF1 or clinical suspicion of NF1 (Bianchessi D et al. Mol Genet Genomic Med, 2015 Nov;3:513-25; external communications). This amino acid position is highly conserved in available vertebrate species. In addition, this alteration is predicted to be deleterious by in silico analysis. This variant is considered to be rare based on population cohorts in the Genome Aggregation Database (gnomAD). Based on the supporting evidence, this variant is interpreted as a disease-causing mutation.

Labcorp Genetics (formerly Invitae), Labcorp
Classification: Pathogenic for Neurofibromatosis, type 1. Last evaluated: 2025-06-09. Review status: criteria provided, single submitter. Criteria: Invitae Variant Classification Sherloc (09022015). Collection method: clinical testing. Allele origin: germline.
Comment: This sequence change replaces glycine, which is neutral and non-polar, with aspartic acid, which is acidic and polar, at codon 2313 of the NF1 protein (p.Gly2313Asp). This variant is not present in population databases (gnomAD no frequency). This missense change has been observed in individuals with clinical features of neurofibromatosis type 1 (PMID: 21520333, 26740943; internal data). Invitae Evidence Modeling of clinical and family history, age, sex, and reported ancestry of multiple individuals with this NF1 variant has been performed. This variant is expected to be pathogenic with a positive predictive value of at least 99%. This is a validated machine learning model that incorporates the clinical features of 1,785,918 individuals referred to our laboratory for NF1 testing. ClinVar contains an entry for this variant (Variation ID: 1066467). Invitae Evidence Modeling of protein sequence and biophysical properties (such as structural, functional, and spatial information, amino acid conservation, physicochemical variation, residue mobility, and thermodynamic stability) indicates that this missense variant is expected to disrupt NF1 protein function with a positive predictive value of 95%. For these reasons, this variant has been classified as Pathogenic.

Literature cited by the submitters: PubMed 26740943 (cited by Ambry Genetics and Labcorp Genetics (formerly Invitae), Labcorp); PubMed 21520333 (cited by Labcorp Genetics (formerly Invitae), Labcorp).

NM_001042492.3(NF1):c.7001G>A (p.Gly2334Asp)

Gene: NF1 (neurofibromin 1; plus strand). Cytogenetic location: 17q11.2.
Variant type: single nucleotide variant.
Coding change: c.7001G>A on transcript NM_001042492.3 (MANE Select); coding-DNA position 7001, G replaced by A.
Protein change: p.Gly2334Asp; replaces glycine 2334 with aspartic acid.
Molecular consequence: missense variant.
Genome position (GRCh38, 1-based): chr17:31,340,584, G>A. VCF-style: chr17-31340584-G-A. GRCh37 (hg19) VCF-style: chr17-29667602-G-A.
Other names: c.6938G>A, p.Gly2313Asp (NM_000267.4); short protein forms G2313D, G2334D.
Identifiers: ClinVar variation 1066467 (VCV001066467.7), dbSNP rs2151561783, ClinGen allele CA399015011.
Genomic context (GRCh38, chr17:31,340,584, plus strand): 5'-CCCTCTTTTGGGTAGCTGTGGCTGTGCTGCAGCTTGATGAGGTCAACTTGTATTCAGCAG[G>A]TACCGCACTTCTTGAACAAAACCTGCATACTTTAGATAGTCTCCGTATATTCAATGACAA-3'
Protein context (NP_001035957.1, residues 2324-2344): QLDEVNLYSA[Gly2334Asp]TALLEQNLHT